The following is an entry in ClinVar:

ClinVar aggregate classification (germline): Benign (0 of 4 stars; one submission).

Conditions:
CCDC18-related disorder. Also called: CCDC18-related condition.

Allele frequency attached by ClinVar (database versions not stated): 1000 Genomes Project 30x 0.00422; 1000 Genomes Project 0.00459; TOPMed 0.01285; ExAC 0.01474; gnomAD 0.01479; ESP Exome Variant Server 0.01766; gnomAD exomes 0.02063.
gnomAD v4.1: 32,266 of 1,612,410 alleles (2%); highest among the groups gnomAD compares: Non-Finnish European, 2.3%; 363 homozygotes.

Submission:

PreventionGenetics, part of Exact Sciences
Classification: Benign for CCDC18-related condition. Last evaluated: 2019-09-17. Review status: no assertion criteria provided. Collection method: clinical testing. Allele origin: germline.
Comment: This variant is classified as benign based on ACMG/AMP sequence variant interpretation guidelines (Richards et al. 2015 PMID: 25741868, with internal and published modifications).

NM_001378204.1(CCDC18):c.2382G>A (p.Gln794=)

Gene: CCDC18 (coiled-coil domain containing 18; plus strand). Cytogenetic location: 1p22.1.
Variant type: single nucleotide variant.
Coding change: c.2382G>A on transcript NM_001378204.1 (MANE Select); coding-DNA position 2382, G replaced by A.
Protein change: p.Gln794=; no amino-acid change (glutamine 794 retained).
Molecular consequence: synonymous variant.
Genome position (GRCh38, 1-based): chr1:93,232,515, G>A. VCF-style: chr1-93232515-G-A. GRCh37 (hg19) VCF-style: chr1-93698072-G-A.
Other names: c.2379G>A, p.Gln793= (NM_001306076.1); c.2382G>A, p.Gln794= (NM_206886.4).
Identifiers: ClinVar variation 3037509 (VCV003037509.2), dbSNP rs77458693, ClinGen allele CA954325.